The following is an entry in ClinVar:

ClinVar aggregate classification (germline): Uncertain significance. Review status: criteria provided, multiple submitters, no conflicts (2 of 4 stars). 5 submissions from 5 submitters: Uncertain significance (5). Last evaluated 2026-05-06.

Conditions:
CEP164-related disorder. Also called: CEP164-related condition.
Inborn genetic diseases. Identifiers: MedGen C0950123, MeSH D030342.
Nephronophthisis 15 (NPHP15). Identifiers: Orphanet 3156, MedGen C3541853, MONDO:0013917, OMIM 614845.

Allele frequency attached by ClinVar (database versions not stated): ExAC 0.00009; gnomAD exomes 0.00009 and 0.00032; gnomAD 0.00016 and 0.00017; TOPMed 0.00022; ESP Exome Variant Server 0.00023.
gnomAD v4.1: 489 of 1,608,388 alleles (0.03%); highest among the groups gnomAD compares: Non-Finnish European, 0.04%; no homozygotes.

Submissions (5):

PreventionGenetics, part of Exact Sciences
Classification: Uncertain significance for CEP164-related condition. Last evaluated: 2026-05-06. Review status: criteria provided, single submitter. Criteria: ACMG Guidelines, 2015. Collection method: clinical testing. Allele origin: germline.
Comment: The CEP164 c.3764G>T variant is predicted to result in the amino acid substitution p.Ser1255Ile. To our knowledge, this variant has not been reported in the literature. This variant is reported in 0.019% of alleles in individuals of European (Non-Finnish) descent in gnomAD. At this time, the clinical significance of this variant is uncertain due to the absence of conclusive functional and genetic evidence.

Ambry Genetics
Classification: Uncertain significance for Inborn genetic diseases. Last evaluated: 2025-06-07. Review status: criteria provided, single submitter. Criteria: Ambry Variant Classification Scheme 2023. Collection method: clinical testing. Allele origin: germline.

Fulgent Genetics
Classification: Uncertain significance for Nephronophthisis 15. Last evaluated: 2024-04-25. Review status: criteria provided, single submitter. Criteria: ACMG Guidelines, 2015. Collection method: clinical testing. Allele origin: germline.

Blueprint Genetics
Classification: Uncertain significance. Last evaluated: 2022-07-27. Review status: criteria provided, single submitter. Criteria: ACMG Guidelines, 2015. Collection method: clinical testing. Allele origin: germline.

Labcorp Genetics (formerly Invitae), Labcorp
Classification: Uncertain significance for Nephronophthisis 15. Last evaluated: 2022-07-19. Review status: criteria provided, single submitter. Criteria: Invitae Variant Classification Sherloc (09022015). Collection method: clinical testing. Allele origin: germline.
Comment: This sequence change replaces serine, which is neutral and polar, with isoleucine, which is neutral and non-polar, at codon 1255 of the CEP164 protein (p.Ser1255Ile). This variant is present in population databases (rs147414766, gnomAD 0.02%). This variant has not been reported in the literature in individuals affected with CEP164-related conditions. ClinVar contains an entry for this variant (Variation ID: 946383). Algorithms developed to predict the effect of missense changes on protein structure and function are either unavailable or do not agree on the potential impact of this missense change (SIFT: "Deleterious"; PolyPhen-2: "Benign"; Align-GVGD: "Class C0"). In summary, the available evidence is currently insufficient to determine the role of this variant in disease. Therefore, it has been classified as a Variant of Uncertain Significance.

NM_014956.5(CEP164):c.3764G>T (p.Ser1255Ile)

Gene: CEP164 (centrosomal protein 164; plus strand). Cytogenetic location: 11q23.3.
Variant type: single nucleotide variant.
Coding change: c.3764G>T on transcript NM_014956.5 (MANE Select); coding-DNA position 3764, G replaced by T.
Protein change: p.Ser1255Ile; replaces serine 1255 with isoleucine.
Molecular consequence: missense variant.
Genome position (GRCh38, 1-based): chr11:117,409,633, G>T. VCF-style: chr11-117409633-G-T. GRCh37 (hg19) VCF-style: chr11-117280349-G-T.
Other names: c.3749G>T, p.Ser1250Ile (NM_001271933.2); short protein forms S1250I, S1255I.
Identifiers: ClinVar variation 946383 (VCV000946383.10), dbSNP rs147414766, ClinGen allele CA6295574.